The following is an entry in ClinVar:

NM_001098.3(ACO2):c.1881C>T (p.Gly627=)

Genes: ACO2 (aconitase 2; plus strand), POLR3H (RNA polymerase III subunit H; minus strand). Cytogenetic location: 22q13.2.
Variant type: single nucleotide variant.
Coding change: c.1881C>T on transcript NM_001098.3 (MANE Select); coding-DNA position 1881, C replaced by T.
Protein change: p.Gly627=; no amino-acid change (glycine 627 retained).
Molecular consequence: synonymous variant. On other transcripts: 3 prime UTR variant (5).
Genome position (GRCh38, 1-based): chr22:41,526,381, C>T. VCF-style: chr22-41526381-C-T. GRCh37 (hg19) VCF-style: chr22-41922385-C-T.
Other names: c.*2902G>A (NM_001018050.4, NM_001018052.4, NM_001282884.2 and 2 more transcripts).
Identifiers: ClinVar variation 2010654 (VCV002010654.4), dbSNP rs2518236460, ClinGen allele CA514653362.

ClinVar aggregate classification (germline): Uncertain significance (1 of 4 stars; one submission).

Submission:

Labcorp Genetics (formerly Invitae), Labcorp
Classification: Uncertain significance. Last evaluated: 2023-08-10. Review status: criteria provided, single submitter. Criteria: Invitae Variant Classification Sherloc (09022015). Collection method: clinical testing. Allele origin: germline.
Comment: ClinVar contains an entry for this variant (Variation ID: 2010654). This sequence change affects codon 627 of the ACO2 mRNA. It is a 'silent' change, meaning that it does not change the encoded amino acid sequence of the ACO2 protein. This variant is not present in population databases (gnomAD no frequency). This variant has not been reported in the literature in individuals affected with ACO2-related conditions. Algorithms developed to predict the effect of sequence changes on RNA splicing suggest that this variant may disrupt the consensus splice site. In summary, the available evidence is currently insufficient to determine the role of this variant in disease. Therefore, it has been classified as a Variant of Uncertain Significance.